The following is an entry in ClinVar:

NM_001040142.2(SCN2A):c.2508G>A (p.Met836Ile)

Gene: SCN2A (sodium voltage-gated channel alpha subunit 2; plus strand). Cytogenetic location: 2q24.3.
Variant type: single nucleotide variant.
Coding change: c.2508G>A on transcript NM_001040142.2 (MANE Select); coding-DNA position 2508, G replaced by A.
Protein change: p.Met836Ile; replaces methionine 836 with isoleucine.
Molecular consequence: missense variant.
Genome position (GRCh38, 1-based): chr2:165,342,415, G>A. VCF-style: chr2-165342415-G-A. GRCh37 (hg19) VCF-style: chr2-166198925-G-A.
Other names: c.2508G>A, p.Met836Ile (NM_001040143.2, NM_001371246.1, NM_001371247.1 and 1 more transcripts); short protein forms M836I.
Identifiers: ClinVar variation 567098 (VCV000567098.11), dbSNP rs1559375240, ClinGen allele CA349012758.

ClinVar aggregate classification (germline): Uncertain significance (1 of 4 stars; one submission).

Conditions:
Seizures, benign familial infantile, 3 (BFIS3). Also called: CONVULSIONS, BENIGN FAMILIAL INFANTILE, 3; Familial neonatal seizures. Identifiers: Orphanet 140927, Orphanet 306, MedGen C1843140, MONDO:0011904, OMIM 607745.
Developmental and epileptic encephalopathy, 11 (DEE11). Also called: Early infantile epileptic encephalopathy 11. Identifiers: Orphanet 1934, MedGen C3150987, MONDO:0013388, OMIM 613721.

Submission:

Labcorp Genetics (formerly Invitae), Labcorp
Classification: Uncertain significance for Seizures, benign familial infantile, 3; Developmental and epileptic encephalopathy, 11. Last evaluated: 2022-12-02. Review status: criteria provided, single submitter. Criteria: Invitae Variant Classification Sherloc (09022015). Collection method: clinical testing. Allele origin: germline.
Comment: In summary, the available evidence is currently insufficient to determine the role of this variant in disease. Therefore, it has been classified as a Variant of Uncertain Significance. Advanced modeling of protein sequence and biophysical properties (such as structural, functional, and spatial information, amino acid conservation, physicochemical variation, residue mobility, and thermodynamic stability) performed at Invitae indicates that this missense variant is not expected to disrupt SCN2A protein function. ClinVar contains an entry for this variant (Variation ID: 567098). This variant has not been reported in the literature in individuals affected with SCN2A-related conditions. This variant is not present in population databases (gnomAD no frequency). This sequence change replaces methionine, which is neutral and non-polar, with isoleucine, which is neutral and non-polar, at codon 836 of the SCN2A protein (p.Met836Ile).